The following is an entry in ClinVar:

NM_014679.5(CEP57):c.207A>G (p.Ile69Met)

Gene: CEP57 (centrosomal protein 57; plus strand). Cytogenetic location: 11q21.
Variant type: single nucleotide variant.
Coding change: c.207A>G on transcript NM_014679.5 (MANE Select); coding-DNA position 207, A replaced by G.
Protein change: p.Ile69Met; replaces isoleucine 69 with methionine.
Molecular consequence: missense variant.
Genome position (GRCh38, 1-based): chr11:95,812,936, A>G. VCF-style: chr11-95812936-A-G. GRCh37 (hg19) VCF-style: chr11-95546100-A-G.
Other names: c.207A>G (NM_014679.4); c.180A>G, p.Ile60Met (NM_001243776.2); c.207A>G, p.Ile69Met (NM_001243777.2); c.126A>G, p.Ile42Met (NM_001363604.2); short protein forms I60M, I69M, I42M.
Identifiers: ClinVar variation 2820395 (VCV002820395.4), dbSNP rs2496219743, ClinGen allele CA382419856.

ClinVar aggregate classification (germline): Uncertain significance. Review status: criteria provided, multiple submitters, no conflicts (2 of 4 stars). 2 submissions from 2 submitters: Uncertain significance (2). Last evaluated 2025-01-05.

Conditions:
Mosaic variegated aneuploidy syndrome 2 (MVA2). Identifiers: Orphanet 1052, MedGen C3279843, MONDO:0013582, OMIM 614114.
Inborn genetic diseases. Identifiers: MedGen C0950123, MeSH D030342.

Allele frequency attached by ClinVar (database versions not stated): gnomAD exomes below 0.00001.
gnomAD v4.1: 1 of 1,613,862 alleles (0.000062%); no homozygotes.

Submissions (2):

Ambry Genetics
Classification: Uncertain significance for Inborn genetic diseases. Last evaluated: 2025-01-05. Review status: criteria provided, single submitter. Criteria: Ambry Variant Classification Scheme 2023. Collection method: clinical testing. Allele origin: germline.
Comment: The p.I69M variant (also known as c.207A>G), located in coding exon 3 of the CEP57 gene, results from an A to G substitution at nucleotide position 207. The isoleucine at codon 69 is replaced by methionine, an amino acid with highly similar properties. This amino acid position is conserved. In addition, the in silico prediction for this alteration is inconclusive. Based on the available evidence, the clinical significance of this variant remains unclear.

Labcorp Genetics (formerly Invitae), Labcorp
Classification: Uncertain significance for Mosaic variegated aneuploidy syndrome 2. Last evaluated: 2022-12-12. Review status: criteria provided, single submitter. Criteria: Invitae Variant Classification Sherloc (09022015). Collection method: clinical testing. Allele origin: germline.
Comment: In summary, the available evidence is currently insufficient to determine the role of this variant in disease. Therefore, it has been classified as a Variant of Uncertain Significance. Advanced modeling of protein sequence and biophysical properties (such as structural, functional, and spatial information, amino acid conservation, physicochemical variation, residue mobility, and thermodynamic stability) performed at Invitae indicates that this missense variant is expected to disrupt CEP57 protein function. This variant has not been reported in the literature in individuals affected with CEP57-related conditions. This variant is not present in population databases (gnomAD no frequency). This sequence change replaces isoleucine, which is neutral and non-polar, with methionine, which is neutral and non-polar, at codon 69 of the CEP57 protein (p.Ile69Met).